The following is an entry in ClinVar:

NM_004055.5(CAPN5):c.1372T>C (p.Phe458Leu)

Gene: CAPN5 (calpain 5; plus strand). Cytogenetic location: 11q13.5.
Variant type: single nucleotide variant.
Coding change: c.1372T>C on transcript NM_004055.5 (MANE Select); coding-DNA position 1372, T replaced by C.
Protein change: p.Phe458Leu; replaces phenylalanine 458 with leucine.
Molecular consequence: missense variant. On other transcripts: non-coding transcript variant (1).
Genome position (GRCh38, 1-based): chr11:77,120,794, T>C. VCF-style: chr11-77120794-T-C. GRCh37 (hg19) VCF-style: chr11-76831840-T-C.
Other names: c.1492T>C, p.Phe498Leu (NM_001425321.1); c.1372T>C, p.Phe458Leu (NM_001425322.1); c.1240T>C, p.Phe414Leu (NM_001425323.1); short protein forms F414L, F458L, F498L.
Identifiers: ClinVar variation 3697862 (VCV003697862.3).

ClinVar aggregate classification (germline): Uncertain significance. Review status: criteria provided, multiple submitters, no conflicts (2 of 4 stars). 2 submissions from 2 submitters: Uncertain significance (2). Last evaluated 2025-11-12.

gnomAD v4.1: 10 of 1,614,120 alleles (0.00062%); highest among the groups gnomAD compares: Non-Finnish European, 0.00085%; no homozygotes.

Submissions (2):

Labcorp Genetics (formerly Invitae), Labcorp
Classification: Uncertain significance. Last evaluated: 2025-11-12. Review status: criteria provided, single submitter. Criteria: Invitae Variant Classification Sherloc (09022015). Collection method: clinical testing. Allele origin: germline.
Comment: This sequence change replaces phenylalanine, which is neutral and non-polar, with leucine, which is neutral and non-polar, at codon 458 of the CAPN5 protein (p.Phe458Leu). This variant is not present in population databases (gnomAD no frequency). This variant has not been reported in the literature in individuals affected with CAPN5-related conditions. ClinVar contains an entry for this variant (Variation ID: 3697862). Invitae Evidence Modeling of protein sequence and biophysical properties (such as structural, functional, and spatial information, amino acid conservation, physicochemical variation, residue mobility, and thermodynamic stability) indicates that this missense variant is not expected to disrupt CAPN5 protein function with a negative predictive value of 80%. In summary, the available evidence is currently insufficient to determine the role of this variant in disease. Therefore, it has been classified as a Variant of Uncertain Significance.

Blueprint Genetics
Classification: Uncertain significance. Last evaluated: 2024-10-31. Review status: criteria provided, single submitter. Criteria: ACMG Guidelines, 2015. Collection method: clinical testing. Allele origin: germline.